The following is an entry in ClinVar:

NM_021930.6(RINT1):c.1267G>T (p.Ala423Ser)

Gene: RINT1 (RAD50 interactor 1; plus strand). Cytogenetic location: 7q22.3.
Variant type: single nucleotide variant.
Coding change: c.1267G>T on transcript NM_021930.6 (MANE Select); coding-DNA position 1267, G replaced by T.
Protein change: p.Ala423Ser; replaces alanine 423 with serine.
Molecular consequence: missense variant. On other transcripts: non-coding transcript variant (1).
Genome position (GRCh38, 1-based): chr7:105,550,420, G>T. VCF-style: chr7-105550420-G-T. GRCh37 (hg19) VCF-style: chr7-105190867-G-T.
Other names: c.1033G>T, p.Ala345Ser (NM_001346599.2); c.244G>T, p.Ala82Ser (NM_001346600.2, NM_001346603.2); c.343G>T, p.Ala115Ser (NM_001346601.2); short protein forms A423S, A82S, A115S, A345S.
Identifiers: ClinVar variation 1764490 (VCV001764490.3), dbSNP rs2485133476, ClinGen allele CA368809323.

ClinVar aggregate classification (germline): Uncertain significance (1 of 4 stars; one submission).

Allele frequency attached by ClinVar (database versions not stated): gnomAD exomes 0.00001.

Submission:

Ambry Genetics
Classification: Uncertain significance. Last evaluated: 2024-11-18. Review status: criteria provided, single submitter. Criteria: Ambry Variant Classification Scheme 2023. Collection method: clinical testing. Allele origin: germline.
Comment: The p.A423S variant (also known as c.1267G>T), located in coding exon 9 of the RINT1 gene, results from a G to T substitution at nucleotide position 1267. The alanine at codon 423 is replaced by serine, an amino acid with similar properties. This amino acid position is conserved. In addition, this alteration is predicted to be tolerated by in silico analysis. Since supporting evidence is limited at this time, the clinical significance of this alteration remains unclear.